The following is an entry in ClinVar:

ClinVar aggregate classification (germline): Uncertain significance (1 of 4 stars; one submission).

Conditions:
Neuronopathy, distal hereditary motor, autosomal recessive 5. Also called: Spinal muscular atrophy, distal, autosomal recessive, 5; Young adult-onset distal hereditary motor neuropathy; NEUROPATHY, DISTAL HEREDITARY MOTOR, AUTOSOMAL RECESSIVE 5. Identifiers: Orphanet 314485, Orphanet 443950, MedGen C4749918, MONDO:0013947, OMIM 614881.

Allele frequency attached by ClinVar (database versions not stated): gnomAD exomes below 0.00001; TOPMed below 0.00001; ExAC 0.00001.
gnomAD v4.1: 3 of 1,613,284 alleles (0.00019%); highest among the groups gnomAD compares: South Asian, 0.0033%; no homozygotes.

Submission:

Labcorp Genetics (formerly Invitae), Labcorp
Classification: Uncertain significance for Neuronopathy, distal hereditary motor, autosomal recessive 5. Last evaluated: 2017-06-12. Review status: criteria provided, single submitter. Criteria: Invitae Variant Classification Sherloc (09022015). Collection method: clinical testing. Allele origin: germline.
Comment: This sequence change replaces methionine with valine at codon 259 of the DNAJB2 protein (p.Met259Val). The methionine residue is moderately conserved and there is a small physicochemical difference between methionine and valine. The frequency data for this variant in the population databases is considered unreliable, as metrics indicate poor data quality at this position in the ExAC database. This variant has not been reported in the literature in individuals with a DNAJB2-related disease. Algorithms developed to predict the effect of missense changes on protein structure and function do not agree on the potential impact of this missense change (SIFT: "Tolerated"; PolyPhen-2: "Possibly Damaging"; Align-GVGD: "Class C0"). In summary, this variant has uncertain impact on DNAJB2 function. The available evidence is currently insufficient to determine its role in disease. Therefore, it has been classified as a Variant of Uncertain Significance.

NM_006736.6(DNAJB2):c.775A>G (p.Met259Val)

Gene: DNAJB2 (DnaJ heat shock protein family (Hsp40) member B2; plus strand). Cytogenetic location: 2q35.
Variant type: single nucleotide variant.
Coding change: c.775A>G on transcript NM_006736.6 (MANE Select); coding-DNA position 775, A replaced by G.
Protein change: p.Met259Val; replaces methionine 259 with valine.
Molecular consequence: missense variant.
Genome position (GRCh38, 1-based): chr2:219,284,787, A>G. VCF-style: chr2-219284787-A-G. GRCh37 (hg19) VCF-style: chr2-220149509-A-G.
Other names: c.775A>G, p.Met259Val (NM_001039550.2); short protein forms M259V.
Identifiers: ClinVar variation 1056751 (VCV001056751.9), dbSNP rs769533786, ClinGen allele CA2123100.
Genomic context (GRCh38, chr2:219,284,787, plus strand): 5'-ACCCCTGCCTCATGCCCCTTGGACAGCGACCTCTCTGAGGATGAGGACCTGCAGCTGGCC[A>G]TGGCCTACAGCCTGTCAGAGATGGAGGCAGCTGGGAAGAAACCCGCAGGTGGGCGGGAGG-3'
Protein context (NP_006727.2, residues 249-269): LSEDEDLQLA[Met259Val]AYSLSEMEAA